The following is an entry in ClinVar:

ClinVar aggregate classification (germline): Likely benign (1 of 4 stars; one submission).

Conditions:
TBX3-related disorder. Also called: TBX3-related condition.

gnomAD v4.1: 5 of 1,580,274 alleles (0.00032%); highest among the groups gnomAD compares: Non-Finnish European, 0.00043%; no homozygotes.

Submission:

PreventionGenetics, part of Exact Sciences
Classification: Likely benign for TBX3-related condition. Last evaluated: 2024-10-30. Review status: criteria provided, single submitter. Criteria: ACMG Guidelines, 2015. Collection method: clinical testing. Allele origin: germline.
Comment: This variant is classified as likely benign based on ACMG/AMP sequence variant interpretation guidelines (Richards et al. 2015 PMID: 25741868, with internal and published modifications).

NM_005996.4(TBX3):c.1977C>T (p.Ala659=)

Gene: TBX3 (T-box transcription factor 3; minus strand). Cytogenetic location: 12q24.21.
Variant type: single nucleotide variant.
Coding change: c.1977C>T on transcript NM_005996.4 (MANE Select); coding-DNA position 1977, C replaced by T.
Protein change: p.Ala659=; no amino-acid change (alanine 659 retained).
Molecular consequence: synonymous variant.
Genome position (GRCh38, 1-based): chr12:114,672,036, G>A on the plus strand (C>T on the coding strand, the complement: TBX3 is on the minus strand). VCF-style: chr12-114672036-G-A. GRCh37 (hg19) VCF-style: chr12-115109841-G-A.
Other names: c.2037C>T, p.Ala679= (NM_016569.4).
Identifiers: ClinVar variation 4988995 (VCV004988995.1).